The following is an entry in ClinVar:

ClinVar aggregate classification (germline): Pathogenic (1 of 4 stars; one submission).

Submission:

Quest Diagnostics Nichols Institute San Juan Capistrano
Classification: Pathogenic. Last evaluated: 2021-08-23. Review status: criteria provided, single submitter. Criteria: ACMG/ClinGen CNV Guidelines, 2019. Collection method: clinical testing. Allele origin: unknown.
Comment: The copy number loss of 8p11.21 involves multiple protein coding genes including multiple exons of a 5' portion of SLC20A2 (OMIM 168378), the first two exons of HGSNAT (OMIM 610453), and full genes of THAP1 (OMIM 609520) and RNF170 (OMIM 614649). It is expected to cause phenotypic and/ordevelopmental abnormalities. Haploinsufficiency of SLC20A2 via loss-of-function sequence variants and entire or partial gene deletions is associated with autosomal dominant idiopathic basal ganglia calcification-1 (IBGC1; OMIM 313600). Patients with these brain calcifications can be asymptomatic or show a wide spectrum of neuropsychiatric symptoms. Moreover, heterozygous pathogenic loss-of-function variants of THAP1 are associated with torsion dystonia 6 (OMIM 602629), which is an autosomal dominant movement disorder with reduced penetrance. Further, heterozygous pathogenic sequence variants of RNF170 were reported in individuals with autosomal dominant sensory ataxia-1 (OMIM 608984). A few similar or smaller deletions of this locus including 5' portion of SLC20A2 and/or other gene content have been reported in patients with familial brain calcification and/or dystonia (Cassinari 2020; Mitsutake 2020; Pasanen 2017). In particular, a similar 578 Kb deletion was reported in two affected individuals with IBGC1, movement abnormality and neuropsychiatric symptoms (Pasanen 2017). The authors suggest SLC20A2 as the causal gene for the IBGC1-related phenotype and THAP1 may also be a candidate gene for the dystonia phenotype. The current deletion also involves two genes associated with autosomal recessive phenotype: HGSNAT (mucopolysaccharidosis type IIIC/OMIM 252930 and retinitis pigmentosa-73/OMIM 616544), and POMK (Muscular dystrophy-dystroglycanopathy type C-12 and A-12/OMIM 616094 and 615249). References: Cassinari et al., Mov Disord. 2020 Aug;35(8):1336-1345. PMID: 32506582. Mitsutake et al., J Neurol Sci. 2020 Nov 15;418:117091. PMID: 32798841. Pasanen et al., Acta Neurol Scand. 2017 Jul;136(1):59-63. PMID: 27726124.

GRCh37/hg19 8p11.21(chr8:42303398-43002481)x1

Genes: CHRNA6 (cholinergic receptor nicotinic alpha 6 subunit; minus strand), CHRNB3 (cholinergic receptor nicotinic beta 3 subunit; plus strand), FNTA (farnesyltransferase, CAAX box, subunit alpha; plus strand), HGSNAT (heparan-alpha-glucosaminide N-acetyltransferase; plus strand), HOOK3 (hook microtubule tethering protein 3; plus strand) and 5 more. Cytogenetic location: 8p11.21.
Variant type: copy number loss.
Change: copy number 1 (one copy instead of two) of chr8:42,303,398-43,002,481 (699.1 kb, GRCh37 coordinates, 1-based), cytogenetic band 8p11.21.
Identifiers: ClinVar variation 1807741 (VCV001807741.1).